The following is an entry in ClinVar:

NM_003803.4(MYOM1):c.4745T>C (p.Val1582Ala)

Gene: MYOM1 (myomesin 1; minus strand). Cytogenetic location: 18p11.31.
Variant type: single nucleotide variant.
Coding change: c.4745T>C on transcript NM_003803.4 (MANE Select); coding-DNA position 4745, T replaced by C.
Protein change: p.Val1582Ala; replaces valine 1582 with alanine.
Molecular consequence: missense variant.
Genome position (GRCh38, 1-based): chr18:3,071,853, A>G on the plus strand (T>C on the coding strand, the complement: MYOM1 is on the minus strand). VCF-style: chr18-3071853-A-G. GRCh37 (hg19) VCF-style: chr18-3071851-A-G.
Other names: c.4457T>C, p.Val1486Ala (NM_019856.2); short protein forms V1582A, V1486A.
Identifiers: ClinVar variation 1742796 (VCV001742796.2), dbSNP rs2510448148, ClinGen allele CA401706328.
Genomic context (GRCh38, chr18:3,071,853, plus strand): 5'-ATAGTGCAGAAGGAGCAGGCACAGGCAGGCTTCATGCTTACCTTCCCCTCCTGGATGGTG[A>G]CCACGTCTGGGAGACCTCCCAACACCCGGGCACGATCTGCAAGCATAGGCATTTTGGGTT-3'
Protein context (NP_003794.3, residues 1572-1592): ARVLGGLPDV[Val1582Ala]TIQEGKALNL

ClinVar aggregate classification (germline): Uncertain significance (1 of 4 stars; one submission).

Submission:

Ambry Genetics
Classification: Uncertain significance. Last evaluated: 2022-04-23. Review status: criteria provided, single submitter. Criteria: Ambry Variant Classification Scheme 2023. Collection method: clinical testing. Allele origin: germline.
Comment: The p.V1582A variant (also known as c.4745T>C), located in coding exon 36 of the MYOM1 gene, results from a T to C substitution at nucleotide position 4745. The valine at codon 1582 is replaced by alanine, an amino acid with similar properties. This amino acid position is conserved. In addition, this alteration is predicted to be deleterious by in silico analysis. Since supporting evidence is limited at this time, the clinical significance of this alteration remains unclear.